The following is an entry in ClinVar:

NM_025114.4(CEP290):c.6644A>T (p.Lys2215Ile)

Gene: CEP290 (centrosomal protein 290; minus strand). Cytogenetic location: 12q21.32.
Variant type: single nucleotide variant.
Coding change: c.6644A>T on transcript NM_025114.4 (MANE Select); coding-DNA position 6644, A replaced by T.
Protein change: p.Lys2215Ile; replaces lysine 2215 with isoleucine.
Molecular consequence: missense variant.
Genome position (GRCh38, 1-based): chr12:88,059,899, T>A on the plus strand (A>T on the coding strand, the complement: CEP290 is on the minus strand). VCF-style: chr12-88059899-T-A. GRCh37 (hg19) VCF-style: chr12-88453676-T-A.
Other names: short protein forms K2215I.
Identifiers: ClinVar variation 2118788 (VCV002118788.2), dbSNP rs1457236601, ClinGen allele CA385977909.

ClinVar aggregate classification (germline): Uncertain significance (1 of 4 stars; one submission).

Conditions:
Joubert syndrome. Also called: CEREBELLOPARENCHYMAL DISORDER IV; JOUBERT-BOLTSHAUSER SYNDROME; Familial aplasia of the vermis. Identifiers: Orphanet 475, MedGen C5979921, MONDO:0018772.
Nephronophthisis. Also called: Juvenile Nephronophthisis. Identifiers: Orphanet 655, MedGen C0687120, MONDO:0019005, HP:0000090.
Meckel-Gruber syndrome. Also called: DYSENCEPHALIA SPLANCHNOCYSTICA; GRUBER SYNDROME; Dysencephalia splachnocystica. Identifiers: Orphanet 564, MedGen C0265215, MONDO:0018921.

Submissions (2):

Labcorp Genetics (formerly Invitae), Labcorp
Classification: Uncertain significance for Joubert syndrome; Meckel-Gruber syndrome; Nephronophthisis. Last evaluated: 2022-03-28. Review status: criteria provided, single submitter. Criteria: Invitae Variant Classification Sherloc (09022015). Collection method: clinical testing. Allele origin: germline.
Comment: This sequence change replaces lysine, which is basic and polar, with isoleucine, which is neutral and non-polar, at codon 2215 of the CEP290 protein (p.Lys2215Ile). This variant is not present in population databases (gnomAD no frequency). This variant has not been reported in the literature in individuals affected with CEP290-related conditions. Algorithms developed to predict the effect of missense changes on protein structure and function are either unavailable or do not agree on the potential impact of this missense change (SIFT: "Deleterious"; PolyPhen-2: "Probably Damaging"; Align-GVGD: "Class C0"). In summary, the available evidence is currently insufficient to determine the role of this variant in disease. Therefore, it has been classified as a Variant of Uncertain Significance.

Dr. Peter K. Rogan Lab, Western University
No classification provided (evidence only). Condition: Thyroid cancer, nonmedullary, 1. Review status: no classification provided. Collection method: in vitro. Allele origin: not applicable. Functional consequence: skipped exon. Not counted in ClinVar's aggregate classification.